The following is an entry in ClinVar:

NM_025114.4(CEP290):c.6209C>A (p.Ser2070Tyr)

Gene: CEP290 (centrosomal protein 290; minus strand). Cytogenetic location: 12q21.32.
Variant type: single nucleotide variant.
Coding change: c.6209C>A on transcript NM_025114.4 (MANE Select); coding-DNA position 6209, C replaced by A.
Protein change: p.Ser2070Tyr; replaces serine 2070 with tyrosine.
Molecular consequence: missense variant.
Genome position (GRCh38, 1-based): chr12:88,064,042, G>T on the plus strand (C>A on the coding strand, the complement: CEP290 is on the minus strand). VCF-style: chr12-88064042-G-T. GRCh37 (hg19) VCF-style: chr12-88457819-G-T.
Other names: short protein forms S2070Y.
Identifiers: ClinVar variation 2286055 (VCV002286055.3), dbSNP rs1189095461, ClinGen allele CA385979716.

ClinVar aggregate classification (germline): Uncertain significance. Review status: criteria provided, single submitter (1 of 4 stars). 2 submissions from 2 submitters: Uncertain significance (1). 1 of the submissions does not count toward it. Last evaluated 2022-04-25.

Conditions:
Inborn genetic diseases. Identifiers: MedGen C0950123, MeSH D030342.
CEP290-related disorder. Also called: CEP290-related condition; CEP290-related disorders. Identifiers: MedGen CN239314.

Allele frequency attached by ClinVar (database versions not stated): gnomAD exomes below 0.00001.
gnomAD v4.1: 3 of 1,595,382 alleles (0.00019%); highest among the groups gnomAD compares: Non-Finnish European, 0.00017%; no homozygotes.

Submissions (2):

Ambry Genetics
Classification: Uncertain significance for Inborn genetic diseases. Last evaluated: 2022-04-25. Review status: criteria provided, single submitter. Criteria: Ambry Variant Classification Scheme 2023. Collection method: clinical testing. Allele origin: germline.

PreventionGenetics, part of Exact Sciences
Classification: Uncertain significance for CEP290-related condition. Last evaluated: 2024-05-03. Review status: no assertion criteria provided. Collection method: clinical testing. Allele origin: germline. Not counted in ClinVar's aggregate classification.
Comment: The CEP290 c.6209C>A variant is predicted to result in the amino acid substitution p.Ser2070Tyr. To our knowledge, this variant has not been reported in the literature or in a large population database, indicating this variant is rare. At this time, the clinical significance of this variant is uncertain due to the absence of conclusive functional and genetic evidence.